The following is an entry in ClinVar:

ClinVar aggregate classification (germline): Uncertain significance. Review status: criteria provided, multiple submitters, no conflicts (2 of 4 stars). 2 submissions from 2 submitters: Uncertain significance (2). Last evaluated 2023-07-08.

Submissions (2):

Labcorp Genetics (formerly Invitae), Labcorp
Classification: Uncertain significance. Last evaluated: 2023-07-08. Review status: criteria provided, single submitter. Criteria: Invitae Variant Classification Sherloc (09022015). Collection method: clinical testing. Allele origin: germline.
Comment: This variant has not been reported in the literature in individuals affected with PPARG-related conditions. This variant is not present in population databases (gnomAD no frequency). This sequence change replaces aspartic acid, which is acidic and polar, with valine, which is neutral and non-polar, at codon 279 of the PPARG protein (p.Asp279Val). ClinVar contains an entry for this variant (Variation ID: 1710763). In summary, the available evidence is currently insufficient to determine the role of this variant in disease. Therefore, it has been classified as a Variant of Uncertain Significance. An algorithm developed to predict the effect of missense changes on protein structure and function (PolyPhen-2) suggests that this variant is likely to be disruptive.

GeneDx
Classification: Uncertain significance. Last evaluated: 2022-04-13. Review status: criteria provided, single submitter. Criteria: GeneDx Variant Classification Process June 2021. Collection method: clinical testing. Allele origin: germline. Affected: yes.
Comment: Not observed at significant frequency in large population cohorts (gnomAD); In silico analysis supports that this missense variant has a deleterious effect on protein structure/function; Has not been previously published as pathogenic or benign to our knowledge

NM_138711.6(PPARG):c.746A>T (p.Asp249Val)

Gene: PPARG (peroxisome proliferator activated receptor gamma; plus strand). Cytogenetic location: 3p25.2.
Variant type: single nucleotide variant.
Coding change: c.746A>T on transcript NM_138711.6 (MANE Select); coding-DNA position 746, A replaced by T.
Protein change: p.Asp249Val; replaces aspartic acid 249 with valine.
Molecular consequence: missense variant. On other transcripts: intron variant (5).
Genome position (GRCh38, 1-based): chr3:12,416,720, A>T. VCF-style: chr3-12416720-A-T. GRCh37 (hg19) VCF-style: chr3-12458219-A-T.
Other names: c.746A>T, p.Asp249Val (NM_001354666.3, NM_001354667.3, NM_001374263.2 and 3 more transcripts); c.119A>T, p.Asp40Val (NM_001354669.2); c.836A>T, p.Asp279Val (NM_015869.5); c.729+10639A>T (NM_001374261.3, NM_001374262.3, NM_001330615.4); c.653+10721A>T (NM_001374266.1); c.819+10639A>T (NM_001374265.1); short protein forms D249V, D279V, D40V.
Identifiers: ClinVar variation 1710763 (VCV001710763.5), dbSNP rs2471060003, ClinGen allele CA351619120.